The following is an entry in ClinVar:

ClinVar aggregate classification (germline): Uncertain significance (1 of 4 stars; one submission).

Conditions:
Hereditary spastic paraplegia 11. Also called: Spastic paraplegia, mental retardation and thin corpus callosum; Spastic Paraplegia 11; Nakamura Osame syndrome; Autosomal recessive hereditary spastic paraplegia, mental impairment, and thin corpus callosum; SPASTIC PARAPLEGIA, AUTOSOMAL RECESSIVE, COMPLICATED, WITH THIN CORPUS CALLOSUM; SPASTIC PARAPLEGIA, AUTOSOMAL RECESSIVE, WITH MENTAL IMPAIRMENT AND THIN CORPUS CALLOSUM. Identifiers: Orphanet 2822, MedGen C1858479, MONDO:0011445, OMIM 604360.

Allele frequency attached by ClinVar (database versions not stated): gnomAD exomes 0.00001 and 0.00002; ExAC 0.00003.
gnomAD v4.1: 17 of 1,614,072 alleles (0.0011%); highest among the groups gnomAD compares: African/African-American, 0.0053%; no homozygotes.

Submission:

Labcorp Genetics (formerly Invitae), Labcorp
Classification: Uncertain significance for Hereditary spastic paraplegia 11. Last evaluated: 2022-07-06. Review status: criteria provided, single submitter. Criteria: Invitae Variant Classification Sherloc (09022015). Collection method: clinical testing. Allele origin: germline.
Comment: This sequence change replaces threonine, which is neutral and polar, with methionine, which is neutral and non-polar, at codon 206 of the SPG11 protein (p.Thr206Met). This variant is present in population databases (rs763340583, gnomAD 0.01%). This variant has not been reported in the literature in individuals affected with SPG11-related conditions. ClinVar contains an entry for this variant (Variation ID: 1371323). Algorithms developed to predict the effect of missense changes on protein structure and function output the following: SIFT: "Tolerated"; PolyPhen-2: "Benign"; Align-GVGD: "Class C0". The methionine amino acid residue is found in multiple mammalian species, which suggests that this missense change does not adversely affect protein function. In summary, the available evidence is currently insufficient to determine the role of this variant in disease. Therefore, it has been classified as a Variant of Uncertain Significance.

NM_025137.4(SPG11):c.617C>T (p.Thr206Met)

Gene: SPG11 (SPG11 vesicle trafficking associated, spatacsin; minus strand). Cytogenetic location: 15q21.1.
Variant type: single nucleotide variant.
Coding change: c.617C>T on transcript NM_025137.4 (MANE Select); coding-DNA position 617, C replaced by T.
Protein change: p.Thr206Met; replaces threonine 206 with methionine.
Molecular consequence: missense variant.
Genome position (GRCh38, 1-based): chr15:44,659,129, G>A on the plus strand (C>T on the coding strand, the complement: SPG11 is on the minus strand). VCF-style: chr15-44659129-G-A. GRCh37 (hg19) VCF-style: chr15-44951327-G-A.
Other names: c.617C>T, p.Thr206Met (NM_001160227.2); short protein forms T206M.
Identifiers: ClinVar variation 1371323 (VCV001371323.5), dbSNP rs763340583, ClinGen allele CA7535787.
Genomic context (GRCh38, chr15:44,659,129, plus strand): 5'-CCAAGGATACAGATCCAGCCTAAACTACTCAAAACAAAAAGAATTCCTCTGCAGAGCTGC[G>A]TGTCAATAATCATGTCCACTGCCTGTGCAGGCAAGGGAAGTGTGAAACAGTTGAGTACTC-3'
Protein context (NP_079413.3, residues 196-216): PAQAVDMIID[Thr206Met]QLCRGILFVL